The following is an entry in ClinVar:

ClinVar aggregate classification (germline): Pathogenic (1 of 4 stars; one submission).

Conditions:
Hereditary cancer-predisposing syndrome. Also called: Neoplastic Syndromes, Hereditary; Tumor predisposition; Hereditary Cancer Syndrome; Hereditary neoplastic syndrome. Identifiers: Orphanet 140162, MedGen C0027672, MeSH D009386, MONDO:0015356.

Submission:

Ambry Genetics
Classification: Pathogenic for Hereditary cancer-predisposing syndrome. Last evaluated: 2026-05-27. Review status: criteria provided, single submitter. Criteria: Ambry Variant Classification Scheme 2023. Collection method: clinical testing. Allele origin: germline.
Comment: The c.3525_3526insG pathogenic mutation, located in coding exon 20 of the DICER1 gene, results from an insertion of one nucleotide at position 3525, causing a translational frameshift with a predicted alternate stop codon (p.N1176Efs*15). This variant was reported in individual(s) with features consistent with DICER1-related tumor predisposition; at least one individual with this variant was found to have a somatic second hit in a recognized DICER1 hotspot codon on tumor sequencing (Ambry internal data). This variant is considered to be rare based on population cohorts in the Genome Aggregation Database (gnomAD). This variant is expected to result in loss of function by premature protein truncation or nonsense-mediated mRNA decay. As such, this variant is interpreted as a disease-causing mutation.

NM_177438.3(DICER1):c.3525_3526insG (p.Asn1176fs)

Gene: DICER1 (dicer 1, ribonuclease III; minus strand). Cytogenetic location: 14q32.13.
Variant type: Insertion.
Coding change: c.3525_3526insG on transcript NM_177438.3 (MANE Select); coding-DNA positions 3525 to 3526, G inserted.
Protein change: p.Asn1176fs; shifts the reading frame from asparagine 1176.
Molecular consequence: frameshift variant. On other transcripts: non-coding transcript variant (6).
Genome position: GRCh38 VCF-style: chr14-95103870-T-TC. GRCh37 (hg19) VCF-style: chr14-95570207-T-TC.
Other names: c.3525_3526insG, p.Asn1176fs (NM_001395695.1, NM_030621.4, NM_001195573.1 and 12 more transcripts); c.3120_3121insG, p.Asn1041fs (NM_001395696.1, NM_001395687.1, NM_001395688.1 and 2 more transcripts); c.1842_1843insG, p.Asn615fs (NM_001395697.1); c.3243_3244insG, p.Asn1082fs (NM_001395686.1); c.2958_2959insG, p.Asn987fs (NM_001395691.1); short protein forms N1041fs, N1082fs, N1176fs, N615fs, N987fs.
Identifiers: ClinVar variation 4869796 (VCV004869796.1).